The following is an entry in ClinVar:

NM_015693.4(INTU):c.1298A>T (p.His433Leu)

Genes: INTU (inturned planar cell polarity protein; plus strand), LOC126807151 (CDK7 strongly-dependent group 2 enhancer GRCh37_chr4:128607842-128609041; plus strand). Cytogenetic location: 4q28.1.
Variant type: single nucleotide variant.
Coding change: c.1298A>T on transcript NM_015693.4 (MANE Select); coding-DNA position 1298, A replaced by T.
Protein change: p.His433Leu; replaces histidine 433 with leucine.
Molecular consequence: missense variant.
Genome position (GRCh38, 1-based): chr4:127,687,716, A>T. VCF-style: chr4-127687716-A-T. GRCh37 (hg19) VCF-style: chr4-128608871-A-T.
Other names: short protein forms H433L.
Identifiers: ClinVar variation 1931445 (VCV001931445.5), dbSNP rs1318807168, ClinGen allele CA358147185.

ClinVar aggregate classification (germline): Uncertain significance (1 of 4 stars; one submission).

Allele frequency attached by ClinVar (database versions not stated): gnomAD exomes below 0.00001; TOPMed below 0.00001; gnomAD 0.00001.
gnomAD v4.1: 3 of 1,612,704 alleles (0.00019%); highest among the groups gnomAD compares: Admixed American, 0.005%; no homozygotes.

Submission:

Labcorp Genetics (formerly Invitae), Labcorp
Classification: Uncertain significance. Last evaluated: 2022-08-16. Review status: criteria provided, single submitter. Criteria: Invitae Variant Classification Sherloc (09022015). Collection method: clinical testing. Allele origin: germline.
Comment: This sequence change replaces histidine, which is basic and polar, with leucine, which is neutral and non-polar, at codon 433 of the INTU protein (p.His433Leu). In summary, the available evidence is currently insufficient to determine the role of this variant in disease. Therefore, it has been classified as a Variant of Uncertain Significance. Algorithms developed to predict the effect of missense changes on protein structure and function are either unavailable or do not agree on the potential impact of this missense change (SIFT: "Deleterious"; PolyPhen-2: "Benign"; Align-GVGD: "Class C15"). This variant has not been reported in the literature in individuals affected with INTU-related conditions. This variant is not present in population databases (gnomAD no frequency).